The following is an entry in ClinVar:

NM_000038.6(APC):c.3814del (p.Ser1272fs)

Gene: APC (APC regulator of Wnt signaling pathway; plus strand). Cytogenetic location: 5q22.2.
Variant type: Deletion.
Coding change: c.3814del on transcript NM_000038.6 (MANE Select); coding-DNA position 3814, one base deleted (T; older notation c.3814delT).
Protein change: p.Ser1272fs; shifts the reading frame from serine 1272.
Molecular consequence: frameshift variant.
Genome position (GRCh38, 1-based): chr5:112,839,408, T deleted; the last of 5 consecutive T bases (chr5:112,839,404-112,839,408); deleting any one gives the same sequence. VCF-style (leftmost placement, unchanged base first): chr5-112839403-GT-G. GRCh37 (hg19) VCF-style: chr5-112175100-GT-G.
Other names: c.3814del, p.Ser1272fs (NM_001127510.3, NM_001354895.2); c.3760del, p.Ser1254fs (NM_001127511.3); c.3868del, p.Ser1290fs (NM_001354896.2); c.3844del, p.Ser1282fs (NM_001354897.2); c.3739del, p.Ser1247fs (NM_001354898.2); c.3730del, p.Ser1244fs (NM_001354899.2); c.3691del, p.Ser1231fs (NM_001354900.2); c.3637del, p.Ser1213fs (NM_001354901.2); and 5 more; short protein forms S1171fs, S1231fs, S1272fs, S1290fs, S989fs, S1112fs, S1181fs, S1213fs.
Identifiers: ClinVar variation 156479 (VCV000156479.10), dbSNP rs587783033, ClinGen allele CA008688.

ClinVar aggregate classification (germline): Pathogenic/Likely pathogenic. Review status: criteria provided, multiple submitters, no conflicts (2 of 4 stars). 5 submissions from 5 submitters: Pathogenic (3); Likely pathogenic (1). 1 of the submissions does not count toward it. Last evaluated 2024-11-12.

Conditions:
Classic or attenuated familial adenomatous polyposis. Identifiers: MedGen CN372698, MONDO:0021057.
Hereditary cancer-predisposing syndrome. Also called: Hereditary Cancer Syndrome; Neoplastic Syndromes, Hereditary; Hereditary neoplastic syndrome; Tumor predisposition. Identifiers: Orphanet 140162, MedGen C0027672, MeSH D009386, MONDO:0015356.
Familial adenomatous polyposis 1 (FAP1). Also called: FAMILIAL ADENOMATOUS POLYPOSIS 1, ATTENUATED; POLYPOSIS, ADENOMATOUS INTESTINAL. Identifiers: MedGen C2713442, MONDO:0021056, OMIM 175100. Disease mechanism: loss of function.

Submissions (5):

Ambry Genetics
Classification: Pathogenic for Hereditary cancer-predisposing syndrome. Last evaluated: 2024-11-12. Review status: criteria provided, single submitter. Criteria: Ambry Variant Classification Scheme 2023. Collection method: clinical testing. Allele origin: germline.
Comment: The c.3814delT pathogenic mutation, located in coding exon 15 of the APC gene, results from a deletion of one nucleotide at nucleotide position 3814, causing a translational frameshift with a predicted alternate stop codon (p.S1272Qfs*16). This alteration occurs at the 3' terminus of theAPC gene and is not expected to trigger nonsense-mediated mRNA decay, and only impacts the last 55% of the protein. However, premature stop codons are typically deleterious in nature and the impacted region is critical for protein function and a significant portion of the protein is affected (Ambry internal data). In a large (n=1591) series of patients referred for APC testing, this alteration was detected in one individual (Kerr SE et al. J Mol Diagn. 2013 Jan;15:31-43). This variant is considered to be rare based on population cohorts in the Genome Aggregation Database (gnomAD). Based on the supporting evidence, this alteration is interpreted as a disease-causing mutation.

All of Us Research Program, National Institutes of Health
Classification: Likely pathogenic for Classic or attenuated familial adenomatous polyposis. Last evaluated: 2024-01-18. Review status: criteria provided, single submitter. Criteria: ACMG Guidelines, 2015. Collection method: clinical testing. Allele origin: germline. Inheritance: Autosomal dominant inheritance. Observed: 1 variant allele, 1 heterozygote.
Comment: This variant creates a premature termination codon in the last exon. The transcribed mRNA is predicted to escape nonsense mediated decay and result in protein truncation. This prediction has not been confirmed by functional studies. To date, this variant has been identified in one individual referred for APC testing (PMID: 23159591). This variant is absent from large population databases, including the Genome Aggregation Database.

This study involves interpretation of variants in research participants for the purpose of population health screening. Participant phenotype was not available at the time of variant classification. Additional details can be found in publication PMID: 35346344, PMCID: PMC8962531

Labcorp Genetics (formerly Invitae), Labcorp
Classification: Pathogenic for Familial adenomatous polyposis 1. Last evaluated: 2023-09-05. Review status: criteria provided, single submitter. Criteria: Invitae Variant Classification Sherloc (09022015). Collection method: clinical testing. Allele origin: germline.
Comment: This premature translational stop signal has been observed in individual(s) with a personal or family history of APC-related conditions (PMID: 23159591). This variant is not present in population databases (gnomAD no frequency). This sequence change creates a premature translational stop signal (p.Ser1272Glnfs*16) in the APC gene. While this is not anticipated to result in nonsense mediated decay, it is expected to disrupt the last 1572 amino acid(s) of the APC protein. For these reasons, this variant has been classified as Pathogenic. A different truncation (p.Tyr2645Lysfs*14) that lies downstream of this variant has been determined to be pathogenic (PMID: 9824584, 1316610, 27081525, 8381579, 22135120, Invitae). This suggests that deletion of this region of the APC protein is causative of disease. This variant is expected to disrupt the EB1 and HDLG binding sites, which mediate interactions with the cytoskeleton (PMID: 15311282, 17293347). While functional studies have not been performed to directly test the effect on APC protein function, this suggests that disruption of the C-terminal portion of the protein is functionally important. ClinVar contains an entry for this variant (Variation ID: 156479).

Myriad Genetics, Inc.
Classification: Pathogenic for Familial adenomatous polyposis 1. Last evaluated: 2023-05-09. Review status: criteria provided, single submitter. Criteria: Myriad Autosomal Dominant, Autosomal Recessive and X-Linked Classification Criteria (2023). Collection method: clinical testing. Allele origin: unknown.
Comment: This variant is considered pathogenic. This variant creates a frameshift predicted to result in premature protein truncation.

Pathway Genomics
Classification: Pathogenic for Adenomatous polyposis coli. Last evaluated: 2014-07-24. Review status: no assertion criteria provided. Collection method: clinical testing. Allele origin: germline. Not counted in ClinVar's aggregate classification.

Literature cited by the submitters: PubMed 23159591 (cited by 4 submitters); PubMed 9824584 (cited by Labcorp Genetics (formerly Invitae), Labcorp); PubMed 1316610 (cited by Labcorp Genetics (formerly Invitae), Labcorp); PubMed 27081525 (cited by Labcorp Genetics (formerly Invitae), Labcorp); PubMed 8381579 (cited by Labcorp Genetics (formerly Invitae), Labcorp); PubMed 22135120 (cited by Labcorp Genetics (formerly Invitae), Labcorp); PubMed 15311282 (cited by Labcorp Genetics (formerly Invitae), Labcorp); PubMed 17293347 (cited by Labcorp Genetics (formerly Invitae), Labcorp).